The following is an entry in ClinVar:

NM_005477.3(HCN4):c.3531G>T (p.Gly1177=)

Gene: HCN4 (hyperpolarization activated cyclic nucleotide gated potassium channel 4; minus strand). Cytogenetic location: 15q24.1.
Variant type: single nucleotide variant.
Coding change: c.3531G>T on transcript NM_005477.3 (MANE Select); coding-DNA position 3531, G replaced by T.
Protein change: p.Gly1177=; no amino-acid change (glycine 1177 retained).
Molecular consequence: synonymous variant.
Genome position (GRCh38, 1-based): chr15:73,322,562, C>A on the plus strand (G>T on the coding strand, the complement: HCN4 is on the minus strand). VCF-style: chr15-73322562-C-A. GRCh37 (hg19) VCF-style: chr15-73614903-C-A.
Other names: p.Gly1177=.
Identifiers: ClinVar variation 382170 (VCV000382170.16), dbSNP rs375911378, ClinGen allele CA7648808.

ClinVar aggregate classification (germline): Likely benign. Review status: criteria provided, multiple submitters, no conflicts (2 of 4 stars). 6 submissions from 6 submitters: Likely benign (4). 2 of the submissions do not count toward it. Last evaluated 2025-12-20.

Conditions:
Cardiovascular phenotype. Identifiers: MedGen CN230736.
Brugada syndrome 8 (BRGDA8). Identifiers: Orphanet 130, MedGen C2751083, MONDO:0013148, OMIM 613123.

Allele frequency attached by ClinVar (database versions not stated): TOPMed 0.00006; gnomAD 0.00008; ESP Exome Variant Server 0.00015.
gnomAD v4.1: 219 of 1,606,778 alleles (0.014%); highest among the groups gnomAD compares: Non-Finnish European, 0.018%; no homozygotes.

Submissions (6):

Labcorp Genetics (formerly Invitae), Labcorp
Classification: Likely benign for Brugada syndrome 8. Last evaluated: 2025-12-20. Review status: criteria provided, single submitter. Criteria: Invitae Variant Classification Sherloc (09022015). Collection method: clinical testing. Allele origin: germline.

Mayo Clinic Laboratories, Mayo Clinic
Classification: Likely benign. Last evaluated: 2025-07-08. Review status: criteria provided, single submitter. Criteria: ACMG Guidelines, 2015. Collection method: clinical testing. Allele origin: germline. Observed: 1 variant allele.
Comment: BP4, BP7

Ambry Genetics
Classification: Likely benign for Cardiovascular phenotype. Last evaluated: 2022-12-17. Review status: criteria provided, single submitter. Criteria: Ambry Variant Classification Scheme 2023. Collection method: clinical testing. Allele origin: germline.

GeneDx
Classification: Likely benign. Last evaluated: 2015-12-04. Review status: criteria provided, single submitter. Criteria: GeneDx Variant Classification (06012015). Collection method: clinical testing. Allele origin: germline. Affected: yes.
Comment: This variant is considered likely benign or benign based on one or more of the following criteria: it is a conservative change, it occurs at a poorly conserved position in the protein, it is predicted to be benign by multiple in silico algorithms, and/or has population frequency not consistent with disease.

Clinical Genetics, Academic Medical Center
Classification: Benign. Review status: no assertion criteria provided. Collection method: clinical testing. Allele origin: germline. Affected: yes. Study: VKGL Data-share Consensus. Not counted in ClinVar's aggregate classification.

Genome Diagnostics Laboratory, University Medical Center Utrecht
Classification: Likely benign. Review status: no assertion criteria provided. Collection method: clinical testing. Allele origin: germline. Affected: yes. Study: VKGL Data-share Consensus. Not counted in ClinVar's aggregate classification.